The following is an entry in ClinVar:

NM_000257.4(MYH7):c.4530C>T (p.Ser1510=)

Genes: MHRT (myosin heavy chain associated RNA transcript; plus strand), MYH7 (myosin heavy chain 7; minus strand). Cytogenetic location: 14q11.2.
Variant type: single nucleotide variant.
Coding change: c.4530C>T on transcript NM_000257.4 (MANE Select); coding-DNA position 4530, C replaced by T.
Protein change: p.Ser1510=; no amino-acid change (serine 1510 retained).
Molecular consequence: synonymous variant. On other transcripts: non-coding transcript variant (1).
Genome position (GRCh38, 1-based): chr14:23,416,982, G>A on the plus strand (C>T on the coding strand, the complement: MYH7 is on the minus strand). VCF-style: chr14-23416982-G-A. GRCh37 (hg19) VCF-style: chr14-23886191-G-A.
Identifiers: ClinVar variation 1332685 (VCV001332685.5), dbSNP rs755246527, ClinGen allele CA042775.
Genomic context (GRCh38, chr14:23,416,982, plus strand): 5'-TCGGACCTTCTCCAGCTCATGGATAGTCTTTCCGCTGGAACCCAACTGCTCAGTCAAGTC[G>A]GAGATCTCCTCTGTGTGGGGAACACGGTAACTCGGTTGAGGGCTGCTGAGGTCCAGTGGA-3'
Protein context (NP_000248.2, residues 1500-1520): RENKNLQEEI[Ser1510=]DLTEQLGSSG

ClinVar aggregate classification (germline): Likely benign. Review status: criteria provided, multiple submitters, no conflicts (2 of 4 stars). 3 submissions from 3 submitters: Likely benign (2). 1 of the submissions does not count toward it. Last evaluated 2023-12-18.

Conditions:
Cardiomyopathy (CMYO). Also called: Cardiomyopathies. Identifiers: Orphanet 167848, MedGen C0878544, MONDO:0004994, HP:0001638. Inheritance: Various modes of inheritance.
MYH7-related disorder. Also called: MYH7-related disorders; MYH7-related condition; MYH7-related disease.

Allele frequency attached by ClinVar (database versions not stated): gnomAD exomes below 0.00001 and 0.00001; ExAC 0.00001; gnomAD 0.00001; TOPMed 0.00001.
gnomAD v4.1: 5 of 1,614,090 alleles (0.00031%); highest among the groups gnomAD compares: Admixed American, 0.0033%; no homozygotes.

Submissions (3):

All of Us Research Program, National Institutes of Health
Classification: Likely benign for Cardiomyopathy. Last evaluated: 2023-12-18. Review status: criteria provided, single submitter. Criteria: ACMG Guidelines, 2015. Collection method: clinical testing. Allele origin: germline. Inheritance: Autosomal dominant inheritance. Observed: 1 variant allele, 1 heterozygote.
Comment: This study involves interpretation of variants in research participants for the purpose of population health screening. Participant phenotype was not available at the time of variant classification. Additional details can be found in publication PMID: 35346344, PMCID: PMC8962531

Color Diagnostics, LLC DBA Color Health
Classification: Likely benign for Cardiomyopathy. Last evaluated: 2021-03-16. Review status: criteria provided, single submitter. Criteria: ACMG Guidelines, 2015. Collection method: clinical testing. Allele origin: germline.

PreventionGenetics, part of Exact Sciences
Classification: Likely benign for MYH7-related condition. Last evaluated: 2020-02-26. Review status: no assertion criteria provided. Collection method: clinical testing. Allele origin: germline. Not counted in ClinVar's aggregate classification.
Comment: This variant is classified as likely benign based on ACMG/AMP sequence variant interpretation guidelines (Richards et al. 2015 PMID: 25741868, with internal and published modifications).